The following is an entry in ClinVar:

NM_000138.5(FBN1):c.716T>C (p.Ile239Thr)

Gene: FBN1 (fibrillin 1; minus strand). Cytogenetic location: 15q21.1.
Variant type: single nucleotide variant.
Coding change: c.716T>C on transcript NM_000138.5 (MANE Select); coding-DNA position 716, T replaced by C.
Protein change: p.Ile239Thr; replaces isoleucine 239 with threonine.
Molecular consequence: missense variant.
Genome position (GRCh38, 1-based): chr15:48,537,631, A>G on the plus strand (T>C on the coding strand, the complement: FBN1 is on the minus strand). VCF-style: chr15-48537631-A-G. GRCh37 (hg19) VCF-style: chr15-48829828-A-G.
Other names: c.716T>C, p.Ile239Thr (NM_001406716.1, NM_001406717.1); short protein forms I239T.
Identifiers: ClinVar variation 2169219 (VCV002169219.8), dbSNP rs138990525, ClinGen allele CA057963.
Genomic context (GRCh38, chr15:48,537,631, plus strand): 5'-TAAGATTAATCCATTAATAATTCCATCAGCCCGGGTTTACCTTGACAAGCTCCCGTGCGG[A>G]TATTTGGAATGAAGCCACGGCGGCAGGGGTGAGGCTGGGCAGGACACATCTCACAGGGGT-3'
Protein context (NP_000129.3, residues 229-249): HPCRRGFIPN[Ile239Thr]RTGACQDVDE

ClinVar aggregate classification (germline): Conflicting classifications of pathogenicity. Review status: criteria provided, conflicting classifications (1 of 4 stars). 4 submissions from 4 submitters: Uncertain significance (3); Benign (1). Last evaluated 2023-12-13.

Conditions:
Familial thoracic aortic aneurysm and aortic dissection (TAAD). Also called: Thoracic aortic aneurysms and dissections. Identifiers: Orphanet 91387, MedGen C4707243, MONDO:0019625.
Marfan syndrome (MFS). Also called: MARFAN SYNDROME, TYPE I; Marfan syndrome type 1; Marfan's syndrome; Marfan syndrome, classic; FBN1-Related Marfan Syndrome. Identifiers: Orphanet 284963, Orphanet 558, MedGen C0024796, MONDO:0007947, OMIM 154700.

Allele frequency attached by ClinVar (database versions not stated): gnomAD 0.00004; TOPMed 0.00003; ESP Exome Variant Server 0.00008; ExAC 0.00002.

Submissions (4):

All of Us Research Program, National Institutes of Health
Classification: Uncertain significance for Marfan syndrome. Last evaluated: 2023-12-13. Review status: criteria provided, single submitter. Criteria: ACMG Guidelines, 2015. Collection method: clinical testing. Allele origin: germline. Inheritance: Autosomal dominant inheritance. Observed: 1 variant allele, 1 heterozygote.
Comment: This missense variant replaces isoleucine with threonine at codon 239 of the FBN1 protein. Computational prediction suggests that this variant may not impact protein structure and function. To our knowledge, functional studies have not been reported for this variant. This variant has not been reported in individuals affected with FBN1-related disorders in the literature. This variant has been identified in 2/251226 chromosomes in the general population by the Genome Aggregation Database (gnomAD). The available evidence is insufficient to determine the role of this variant in disease conclusively. Therefore, this variant is classified as a Variant of Uncertain Significance.

This study involves interpretation of variants in research participants for the purpose of population health screening. Participant phenotype was not available at the time of variant classification. Additional details can be found in publication PMID: 35346344, PMCID: PMC8962531

Labcorp Genetics (formerly Invitae), Labcorp
Classification: Benign for Marfan syndrome; Familial thoracic aortic aneurysm and aortic dissection. Last evaluated: 2023-11-27. Review status: criteria provided, single submitter. Criteria: Invitae Variant Classification Sherloc (09022015). Collection method: clinical testing. Allele origin: germline.

Color Diagnostics, LLC DBA Color Health
Classification: Uncertain significance for Familial thoracic aortic aneurysm and aortic dissection. Last evaluated: 2023-11-15. Review status: criteria provided, single submitter. Criteria: ACMG Guidelines, 2015. Collection method: clinical testing. Allele origin: germline.
Comment: This missense variant replaces isoleucine with threonine at codon 239 of the FBN1 protein. Computational prediction suggests that this variant may not impact protein structure and function. To our knowledge, functional studies have not been reported for this variant. This variant has not been reported in individuals affected with FBN1-related disorders in the literature. This variant has been identified in 2/251226 chromosomes in the general population by the Genome Aggregation Database (gnomAD). The available evidence is insufficient to determine the role of this variant in disease conclusively. Therefore, this variant is classified as a Variant of Uncertain Significance.

Ambry Genetics
Classification: Uncertain significance for Familial thoracic aortic aneurysm and aortic dissection. Last evaluated: 2023-01-26. Review status: criteria provided, single submitter. Criteria: Ambry Variant Classification Scheme 2023. Collection method: clinical testing. Allele origin: germline.
Comment: The p.I239T variant (also known as c.716T>C), located in coding exon 6 of the FBN1 gene, results from a T to C substitution at nucleotide position 716. The isoleucine at codon 239 is replaced by threonine, an amino acid with similar properties. This alteration has been reported in a database of subjects with features of Marfan syndromes (Groth KA et al. Genet Med, 2017 Jul;19:772-777). This amino acid position is well conserved in available vertebrate species. In addition, this alteration is predicted to be tolerated by in silico analysis. Since supporting evidence is limited at this time, the clinical significance of this alteration remains unclear.

Literature cited by the submitters: PubMed 27906200 (cited by Ambry Genetics).